The following is an entry in ClinVar:

ClinVar aggregate classification (germline): Pathogenic (1 of 4 stars; one submission).

Conditions:
Bloom syndrome (BLM). Also called: Bloom-Torre-Machacek syndrome. Identifiers: Orphanet 125, MedGen C0005859, MONDO:0008876, OMIM 210900.

Submission:

Labcorp Genetics (formerly Invitae), Labcorp
Classification: Pathogenic for Bloom syndrome. Last evaluated: 2024-01-11. Review status: criteria provided, single submitter. Criteria: Invitae Variant Classification Sherloc (09022015). Collection method: clinical testing. Allele origin: germline.
Comment: This sequence change creates a premature translational stop signal (p.Leu1023Cysfs*11) in the BLM gene. It is expected to result in an absent or disrupted protein product. Loss-of-function variants in BLM are known to be pathogenic (PMID: 17407155). This variant is not present in population databases (gnomAD no frequency). This variant has not been reported in the literature in individuals affected with BLM-related conditions. For these reasons, this variant has been classified as Pathogenic.

Literature cited by the submitters: PubMed 17407155.

NM_000057.4(BLM):c.3068del (p.Leu1023fs)

Gene: BLM (BLM RecQ like helicase; plus strand). Cytogenetic location: 15q26.1.
Variant type: Deletion.
Coding change: c.3068del on transcript NM_000057.4 (MANE Select); coding-DNA position 3068, one base deleted (T; older notation c.3068delT).
Protein change: p.Leu1023fs; shifts the reading frame from leucine 1023.
Molecular consequence: frameshift variant.
Genome position (GRCh38, 1-based): chr15:90,794,215, T deleted; the last of 3 consecutive T bases (chr15:90,794,213-90,794,215); deleting any one gives the same sequence. VCF-style (leftmost placement, unchanged base first): chr15-90794212-AT-A. GRCh37 (hg19) VCF-style: chr15-91337442-AT-A.
Other names: c.3068del, p.Leu1023fs (NM_001287246.2, NM_001287247.2); c.1943del, p.Leu648fs (NM_001287248.2); short protein forms L1023fs, L648fs.
Identifiers: ClinVar variation 2956474 (VCV002956474.3), dbSNP rs2505524778, ClinGen allele CA2740096773.